The following is an entry in ClinVar:

NC_000023.10:g.(?_49074894)_(49088409_?)dup

Gene: CACNA1F (calcium voltage-gated channel subunit alpha1 F; minus strand). Cytogenetic location: Xp11.23.
Variant type: Duplication.
Identifiers: ClinVar variation 2425311 (VCV002425311.3).

ClinVar aggregate classification (germline): Likely pathogenic (1 of 4 stars; one submission).

Submission:

Labcorp Genetics (formerly Invitae), Labcorp
Classification: Likely pathogenic. Last evaluated: 2022-05-10. Review status: criteria provided, single submitter. Criteria: Invitae Variant Classification Sherloc (09022015). Collection method: clinical testing. Allele origin: germline.
Comment: This variant results in a copy number gain of the genomic region encompassing exon(s) 2-24 of the CACNA1F gene. While the exact position of this variant cannot be determined from the data, sub-genic copy number gains are generally in tandem (PMID: 25640679). This variant is predicted to be out-of-frame, and may result in an absent or disrupted protein product. Loss-of-function variants in CACNA1F are known to be pathogenic (PMID: 9662399, 11281458, 17525176, 22194652, 24124559, 26992781). This variant has not been reported in the literature in individuals affected with CACNA1F-related conditions. In summary, the currently available evidence indicates that the variant is pathogenic, but additional data are needed to prove that conclusively. Therefore, this variant has been classified as Likely Pathogenic.

Literature cited by the submitters: PubMed 25640679; PubMed 9662399; PubMed 11281458; PubMed 17525176; PubMed 22194652; PubMed 24124559; PubMed 26992781.